The following is an entry in ClinVar:

NM_001844.5(COL2A1):c.3137dup (p.Gly1047fs)

Gene: COL2A1 (collagen type II alpha 1 chain; minus strand). Cytogenetic location: 12q13.11.
Variant type: Duplication.
Coding change: c.3137dup on transcript NM_001844.5 (MANE Select); coding-DNA position 3137, one base duplicated (C; older notation c.3137dupC).
Protein change: p.Gly1047fs; shifts the reading frame from glycine 1047.
Molecular consequence: frameshift variant.
Genome position (GRCh38, 1-based): chr12:47,977,628, G duplicated on the plus strand (C on the coding strand, the reverse complement: COL2A1 is on the minus strand); the first of 6 consecutive G bases (chr12:47,977,628-47,977,633); duplicating any one gives the same sequence. VCF-style (leftmost placement, unchanged base first): chr12-47977627-A-AG. GRCh37 (hg19) VCF-style: chr12-48371410-A-AG.
Other names: c.2930dup, p.Gly978fs (NM_033150.3); short protein forms G978fs, G1047fs.
Identifiers: ClinVar variation 2137327 (VCV002137327.4), dbSNP rs1938797743, ClinGen allele CA2529301832.

ClinVar aggregate classification (germline): Pathogenic (1 of 4 stars; one submission).

Submission:

Labcorp Genetics (formerly Invitae), Labcorp
Classification: Pathogenic. Last evaluated: 2022-05-17. Review status: criteria provided, single submitter. Criteria: Invitae Variant Classification Sherloc (09022015). Collection method: clinical testing. Allele origin: germline.
Comment: For these reasons, this variant has been classified as Pathogenic. This premature translational stop signal has been observed in individual(s) with Stickler syndrome (PMID: 20179744). This variant is not present in population databases (gnomAD no frequency). This sequence change creates a premature translational stop signal (p.Gly1047Trpfs*11) in the COL2A1 gene. It is expected to result in an absent or disrupted protein product. Loss-of-function variants in COL2A1 are known to be pathogenic (PMID: 20179744).

Literature cited by the submitters: PubMed 20179744.